The following is an entry in ClinVar:

NM_000051.4(ATM):c.3433G>A (p.Asp1145Asn)

Gene: ATM (ATM serine/threonine kinase; plus strand). Cytogenetic location: 11q22.3.
Variant type: single nucleotide variant.
Coding change: c.3433G>A on transcript NM_000051.4 (MANE Select); coding-DNA position 3433, G replaced by A.
Protein change: p.Asp1145Asn; replaces aspartic acid 1145 with asparagine.
Molecular consequence: missense variant.
Genome position (GRCh38, 1-based): chr11:108,281,025, G>A. VCF-style: chr11-108281025-G-A. GRCh37 (hg19) VCF-style: chr11-108151752-G-A.
Other names: c.3433G>A, p.Asp1145Asn (NM_001351834.2); short protein forms D1145N.
Identifiers: ClinVar variation 3801305 (VCV003801305.1).

ClinVar aggregate classification (germline): Uncertain significance (1 of 4 stars; one submission).

Conditions:
Hereditary cancer-predisposing syndrome. Also called: Neoplastic Syndromes, Hereditary; Hereditary Cancer Syndrome; Tumor predisposition; Hereditary neoplastic syndrome. Identifiers: Orphanet 140162, MedGen C0027672, MeSH D009386, MONDO:0015356.

gnomAD v4.1: 1 of 1,613,090 alleles (0.000062%); highest among the groups gnomAD compares: Non-Finnish European, 0.000085%; no homozygotes.

Submission:

Ambry Genetics
Classification: Uncertain significance for Hereditary cancer-predisposing syndrome. Last evaluated: 2024-12-15. Review status: criteria provided, single submitter. Criteria: Ambry Variant Classification Scheme 2023. Collection method: clinical testing. Allele origin: germline.
Comment: The p.D1145N variant (also known as c.3433G>A), located in coding exon 23 of the ATM gene, results from a G to A substitution at nucleotide position 3433. The aspartic acid at codon 1145 is replaced by asparagine, an amino acid with highly similar properties. This amino acid position is conserved. In addition, the in silico prediction for this alteration is inconclusive. Based on the available evidence, the clinical significance of this variant remains unclear.